The following is an entry in ClinVar:

ClinVar aggregate classification (germline): Likely pathogenic (1 of 4 stars; one submission).

Conditions:
Polycystic kidney disease 4 (PKD4). Also called: POLYCYSTIC KIDNEY AND HEPATIC DISEASE 1; POLYCYSTIC KIDNEY DISEASE, INFANTILE, TYPE I; POLYCYSTIC KIDNEY DISEASE 4 WITH OR WITHOUT POLYCYSTIC LIVER DISEASE; PKD3; Autosomal Recessive Polycystic Kidney Disease – PKHD1. Identifiers: MedGen C4540575, MONDO:0033004, OMIM 263200.

Submission:

Myriad Genetics, Inc.
Classification: Likely pathogenic for Polycystic kidney disease 4. Last evaluated: 2022-03-14. Review status: criteria provided, single submitter. Criteria: Myriad Women's Health Autosomal Recessive and X-Linked Classification Criteria (2021). Collection method: clinical testing. Allele origin: unknown.
Comment: NM_138694.3(PKHD1):c.4293T>A(C1431*) is expected to be pathogenic in the context of autosomal recessive polycystic kidney disease, PKHD1-related. This variant is predicted to lead to an abnormal or absent protein product due to the creation of a premature termination codon in PKHD1, a gene where loss-of-function variants are known to be pathogenic. Please note: this variant was assessed in the context of healthy population screening.

NM_138694.4(PKHD1):c.4293T>A (p.Cys1431Ter)

Gene: PKHD1 (PKHD1 ciliary IPT domain containing fibrocystin/polyductin; minus strand). Cytogenetic location: 6p12.2.
Variant type: single nucleotide variant.
Coding change: c.4293T>A on transcript NM_138694.4 (MANE Select); coding-DNA position 4293, T replaced by A.
Protein change: p.Cys1431Ter; replaces cysteine 1431 with a stop codon.
Molecular consequence: nonsense.
Genome position (GRCh38, 1-based): chr6:52,025,517, A>T on the plus strand (T>A on the coding strand, the complement: PKHD1 is on the minus strand). VCF-style: chr6-52025517-A-T. GRCh37 (hg19) VCF-style: chr6-51890315-A-T.
Other names: c.4293T>A, p.Cys1431Ter (NM_170724.3); short protein forms C1431*.
Identifiers: ClinVar variation 1725212 (VCV001725212.2), dbSNP rs2532717700, ClinGen allele CA364434260.